The following is an entry in ClinVar:

NM_032043.3(BRIP1):c.1114C>T (p.Leu372Phe)

Gene: BRIP1 (BRCA1 interacting DNA helicase 1; minus strand). Cytogenetic location: 17q23.2.
Variant type: single nucleotide variant.
Coding change: c.1114C>T on transcript NM_032043.3 (MANE Select); coding-DNA position 1114, C replaced by T.
Protein change: p.Leu372Phe; replaces leucine 372 with phenylalanine.
Molecular consequence: missense variant.
Genome position (GRCh38, 1-based): chr17:61,801,279, G>A on the plus strand (C>T on the coding strand, the complement: BRIP1 is on the minus strand). VCF-style: chr17-61801279-G-A. GRCh37 (hg19) VCF-style: chr17-59878640-G-A.
Other names: short protein forms L372F.
Identifiers: ClinVar variation 461060 (VCV000461060.23), dbSNP rs786202637, ClinGen allele CA292286069.

ClinVar aggregate classification (germline): Uncertain significance. Review status: criteria provided, multiple submitters, no conflicts (2 of 4 stars). 7 submissions from 7 submitters: Uncertain significance (7). Last evaluated 2025-11-09.

Conditions:
Hereditary cancer-predisposing syndrome. Also called: Hereditary neoplastic syndrome; Neoplastic Syndromes, Hereditary; Tumor predisposition; Hereditary Cancer Syndrome. Identifiers: Orphanet 140162, MedGen C0027672, MeSH D009386, MONDO:0015356.
Fanconi anemia complementation group J. Also called: BRIP1-Related Fanconi Anemia. Identifiers: Orphanet 84, MedGen C1836860, MONDO:0012187, OMIM 609054.
Familial cancer of breast. Also called: BREAST CANCER, FAMILIAL; hereditary breast carcinoma; Hereditary breast cancer. Identifiers: Orphanet 227535, MedGen C0346153, MONDO:0016419, OMIM 114480. Disease mechanism: loss of function.

Allele frequency attached by ClinVar (database versions not stated): gnomAD exomes below 0.00001; gnomAD 0.00001; TOPMed 0.00003.
gnomAD v4.1: 3 of 1,613,606 alleles (0.00019%); highest among the groups gnomAD compares: African/African-American, 0.004%; no homozygotes.

Submissions (7):

Labcorp Genetics (formerly Invitae), Labcorp
Classification: Uncertain significance for Familial cancer of breast; Fanconi anemia complementation group J. Last evaluated: 2025-11-09. Review status: criteria provided, single submitter. Criteria: Invitae Variant Classification Sherloc (09022015). Collection method: clinical testing. Allele origin: germline.
Comment: This sequence change replaces leucine, which is neutral and non-polar, with phenylalanine, which is neutral and non-polar, at codon 372 of the BRIP1 protein (p.Leu372Phe). This variant is present in population databases (no rsID available, gnomAD 0.007%). This missense change has been observed in individual(s) with breast cancer (PMID: 26921362). ClinVar contains an entry for this variant (Variation ID: 461060). Invitae Evidence Modeling of protein sequence and biophysical properties (such as structural, functional, and spatial information, amino acid conservation, physicochemical variation, residue mobility, and thermodynamic stability) has been performed for this missense variant. However, the output from this modeling did not meet the statistical confidence thresholds required to predict the impact of this variant on BRIP1 protein function. In summary, the available evidence is currently insufficient to determine the role of this variant in disease. Therefore, it has been classified as a Variant of Uncertain Significance.

Ambry Genetics
Classification: Uncertain significance for Hereditary cancer-predisposing syndrome. Last evaluated: 2025-03-16. Review status: criteria provided, single submitter. Criteria: Ambry Variant Classification Scheme 2023. Collection method: clinical testing. Allele origin: germline.
Comment: The p.L372F variant (also known as c.1114C>T), located in coding exon 7 of the BRIP1 gene, results from a C to T substitution at nucleotide position 1114. The leucine at codon 372 is replaced by phenylalanine, an amino acid with highly similar properties. In one study, this alteration was detected in a heterozygous state in 2/13213 breast cancer cases and 0/5242 controls from the United Kingdom (Easton DF et al. J. Med. Genet., 2016 05;53:298-309). This amino acid position is highly conserved in available vertebrate species. In addition, the in silico prediction for this alteration is inconclusive. Since supporting evidence is limited at this time, the clinical significance of this alteration remains unclear.

Baylor Genetics
Classification: Uncertain significance for Familial cancer of breast. Last evaluated: 2024-01-26. Review status: criteria provided, single submitter. Criteria: ACMG Guidelines, 2015. Collection method: clinical testing. Allele origin: unknown.

Women's Health and Genetics/Laboratory Corporation of America, LabCorp
Classification: Uncertain significance. Last evaluated: 2023-05-20. Review status: criteria provided, single submitter. Criteria: LabCorp Variant Classification Summary - May 2015. Collection method: clinical testing. Allele origin: germline.

Sema4
Classification: Uncertain significance for Hereditary cancer-predisposing syndrome. Last evaluated: 2022-01-06. Review status: criteria provided, single submitter. Criteria: Sema4 Curation Guidelines. Collection method: curation. Allele origin: germline.
Comment: The BRIP1 c.1114C>T (p.L372F) variant has been reported in 2 individuals with breast cancer (PMID 26921362). This variant was observed 1/16254 chromosomes in the African/African American population according to the Genome Aggregation Database (PMID: 32461654). This variant has been reported in ClinVar (Variation ID 461060). Functional studies have not been performed, and in silico predictions of the variant's effect on protein function are inconclusive. The overall evidence is insufficient to meet ACMG/AMP criteria for classifying it as benign or pathogenic. In summary, the clinical significance of this variant is currently uncertain.

GeneDx
Classification: Uncertain significance. Last evaluated: 2021-08-27. Review status: criteria provided, single submitter. Criteria: GeneDx Variant Classification Process June 2021. Collection method: clinical testing. Allele origin: germline. Affected: yes.
Comment: Not observed at significant frequency in large population cohorts (Lek et al., 2016); In silico analysis supports that this missense variant has a deleterious effect on protein structure/function; Observed in individuals with breast cancer (Easton 2016); This variant is associated with the following publications: (PMID: 26921362)

Color Diagnostics, LLC DBA Color Health
Classification: Uncertain significance for Hereditary cancer-predisposing syndrome. Last evaluated: 2020-03-09. Review status: criteria provided, single submitter. Criteria: ACMG Guidelines, 2015. Collection method: clinical testing. Allele origin: germline.
Comment: This missense variant replaces leucine with phenylalanine at codon 372 of the BRIP1 protein. Computational prediction is inconclusive regarding the impact of this variant on protein structure and function (internally defined REVEL score threshold 0.5 < inconclusive < 0.7, PMID: 27666373). Splice site prediction tools suggest that this variant may not impact RNA splicing. To our knowledge, functional studies have not been reported for this variant. This variant has been reported in individuals affected with breast cancer in the literature (PMID: 26921362). This variant has been identified in 1/251288 chromosomes in the general population by the Genome Aggregation Database (gnomAD). The available evidence is insufficient to determine the role of this variant in disease conclusively. Therefore, this variant is classified as a Variant of Uncertain Significance.

Literature cited by the submitters: PubMed 26921362 (cited by 3 submitters).